The following is an entry in ClinVar:

ClinVar aggregate classification (germline): Uncertain significance (1 of 4 stars; one submission).

Submission:

GeneDx
Classification: Uncertain significance. Last evaluated: 2025-05-17. Review status: criteria provided, single submitter. Criteria: GeneDx Variant Classification Process June 2021. Collection method: clinical testing. Allele origin: germline. Affected: yes.
Comment: Not observed at significant frequency in large population cohorts (gnomAD); In silico analysis supports that this missense variant has a deleterious effect on protein structure/function; Has not been previously published as pathogenic or benign to our knowledge

NM_001005273.3(CHD3):c.3200A>G (p.Lys1067Arg)

Gene: CHD3 (chromodomain helicase DNA binding protein 3; plus strand). Cytogenetic location: 17p13.1.
Variant type: single nucleotide variant.
Coding change: c.3200A>G on transcript NM_001005273.3 (MANE Select); coding-DNA position 3200, A replaced by G.
Protein change: p.Lys1067Arg; replaces lysine 1067 with arginine.
Molecular consequence: missense variant.
Genome position (GRCh38, 1-based): chr17:7,901,323, A>G. VCF-style: chr17-7901323-A-G. GRCh37 (hg19) VCF-style: chr17-7804641-A-G.
Other names: c.3377A>G, p.Lys1126Arg (NM_001005271.3, NM_001437504.1); c.3365A>G, p.Lys1122Arg (NM_001437507.1, NM_001437508.1, NM_001437509.1); c.3200A>G, p.Lys1067Arg (NM_005852.4); short protein forms K1067R, K1122R, K1126R.
Identifiers: ClinVar variation 4529653 (VCV004529653.1).